The following is an entry in ClinVar:

ClinVar aggregate classification (germline): Uncertain significance. Review status: criteria provided, multiple submitters, no conflicts (2 of 4 stars). 2 submissions from 2 submitters: Uncertain significance (2). Last evaluated 2021-05-21.

Conditions:
Hereditary cancer-predisposing syndrome. Also called: Hereditary neoplastic syndrome; Neoplastic Syndromes, Hereditary; Tumor predisposition; Hereditary Cancer Syndrome. Identifiers: Orphanet 140162, MedGen C0027672, MeSH D009386, MONDO:0015356.
Hereditary nonpolyposis colorectal neoplasms. Identifiers: MedGen C0009405, MeSH D003123.

Submissions (2):

Ambry Genetics
Classification: Uncertain significance for Hereditary cancer-predisposing syndrome. Last evaluated: 2021-05-21. Review status: criteria provided, single submitter. Criteria: Ambry Variant Classification Scheme 2023. Collection method: clinical testing. Allele origin: germline.
Comment: The p.S28F variant (also known as c.83C>T), located in coding exon 2 of the PMS2 gene, results from a C to T substitution at nucleotide position 83. The serine at codon 28 is replaced by phenylalanine, an amino acid with highly dissimilar properties. This amino acid position is highly conserved in available vertebrate species. In addition, this alteration is predicted to be deleterious by in silico analysis. Since supporting evidence is limited at this time, the clinical significance of this alteration remains unclear.

Labcorp Genetics (formerly Invitae), Labcorp
Classification: Uncertain significance for Hereditary nonpolyposis colorectal neoplasms. Last evaluated: 2020-08-07. Review status: criteria provided, single submitter. Criteria: Invitae Variant Classification Sherloc (09022015). Collection method: clinical testing. Allele origin: germline.
Comment: Algorithms developed to predict the effect of missense changes on protein structure and function (SIFT, PolyPhen-2, Align-GVGD) all suggest that this variant is likely to be disruptive, but these predictions have not been confirmed by published functional studies and their clinical significance is uncertain. This variant has not been reported in the literature in individuals with PMS2-related conditions. This variant is not present in population databases (ExAC no frequency). This sequence change replaces serine with phenylalanine at codon 28 of the PMS2 protein (p.Ser28Phe). The serine residue is highly conserved and there is a large physicochemical difference between serine and phenylalanine. In summary, the available evidence is currently insufficient to determine the role of this variant in disease. Therefore, it has been classified as a Variant of Uncertain Significance.

NM_000535.7(PMS2):c.83C>T (p.Ser28Phe)

Gene: PMS2 (PMS1 homolog 2, mismatch repair system component; minus strand). Cytogenetic location: 7p22.1.
Variant type: single nucleotide variant.
Coding change: c.83C>T on transcript NM_000535.7 (MANE Select); coding-DNA position 83, C replaced by T.
Protein change: p.Ser28Phe; replaces serine 28 with phenylalanine.
Molecular consequence: missense variant. On other transcripts: 5 prime UTR variant (8), non-coding transcript variant (1), intron variant (3).
Genome position (GRCh38, 1-based): chr7:6,005,972, G>A on the plus strand (C>T on the coding strand, the complement: PMS2 is on the minus strand). VCF-style: chr7-6005972-G-A. GRCh37 (hg19) VCF-style: chr7-6045603-G-A.
Other names: c.-323C>T (NM_001322003.2, NM_001322005.2, NM_001322009.2 and 1 more transcripts); c.83C>T, p.Ser28Phe (NM_001322006.2, NM_001322014.2); c.-133C>T (NM_001322007.2); c.-802C>T (NM_001322011.2, NM_001322012.2); c.-402C>T (NM_001322015.2); c.-52-1914C>T (NM_001322008.2); c.-242-1914C>T (NM_001322010.2, NM_001322004.2); short protein forms S28F.
Identifiers: ClinVar variation 1034492 (VCV001034492.11), dbSNP rs1785707505, ClinGen allele CA366745089.